The following is an entry in ClinVar:

ClinVar aggregate classification (germline): Pathogenic/Likely pathogenic. Review status: criteria provided, multiple submitters, no conflicts (2 of 4 stars). 3 submissions from 3 submitters: Pathogenic (1); Likely pathogenic (1). 1 of the submissions does not count toward it. Last evaluated 2026-01-19.

Conditions:
Aortic valve disease 2 (AOVD2). Identifiers: MedGen C3542024, MONDO:0013902, OMIM 614823.
Radioulnar synostosis. Also called: Congenital radioulnar synostosis. Identifiers: Orphanet 3269, MedGen C0158761, MONDO:0017985, HP:0002974.

Submissions (3):

Labcorp Genetics (formerly Invitae), Labcorp
Classification: Pathogenic for Aortic valve disease 2. Last evaluated: 2026-01-19. Review status: criteria provided, single submitter. Criteria: Invitae Variant Classification Sherloc (09022015). Collection method: clinical testing. Allele origin: germline.
Comment: This sequence change creates a premature translational stop signal (p.Gln78Glyfs*41) in the SMAD6 gene. It is expected to result in an absent or disrupted protein product. Loss-of-function variants in SMAD6 are known to be pathogenic (PMID: 28659821, 31138930, 32499606, 34953066). This variant is not present in population databases (gnomAD no frequency). This premature translational stop signal has been observed in individual(s) with craniosynostosis (PMID: 27606499). ClinVar contains an entry for this variant (Variation ID: 1174564). For these reasons, this variant has been classified as Pathogenic.

GeneDx
Classification: Likely pathogenic. Last evaluated: 2025-11-13. Review status: criteria provided, single submitter. Criteria: GeneDx Variant Classification Process June 2021. Collection method: clinical testing. Allele origin: germline.
Comment: Frameshift variant predicted to result in protein truncation or nonsense mediated decay in a gene for which loss of function is a known mechanism of disease; Not observed at significant frequency in large population cohorts (gnomAD); This variant is associated with the following publications: (PMID: 34953066, 27606499, 34208845)

The Laboratory of Genetics and Metabolism, Hunan Children’s Hospital
Classification: Pathogenic for Radioulnar synostosis. Last evaluated: 2020-06-20. Review status: no assertion criteria provided. Collection method: research. Allele origin: paternal. Affected: yes. Not counted in ClinVar's aggregate classification.

Literature cited by the submitters: PubMed 28659821 (cited by Labcorp Genetics (formerly Invitae), Labcorp); PubMed 31138930 (cited by Labcorp Genetics (formerly Invitae), Labcorp); PubMed 32499606 (cited by Labcorp Genetics (formerly Invitae), Labcorp); PubMed 34953066 (cited by Labcorp Genetics (formerly Invitae), Labcorp); PubMed 27606499 (cited by Labcorp Genetics (formerly Invitae), Labcorp).

NM_005585.5(SMAD6):c.232_250del (p.Gln78fs)

Gene: SMAD6 (SMAD family member 6; plus strand). Cytogenetic location: 15q22.31.
Variant type: Deletion.
Coding change: c.232_250del on transcript NM_005585.5 (MANE Select); coding-DNA positions 232 to 250, 19 bases deleted (CAGGGCGCGGGGAGGCGCC).
Protein change: p.Gln78fs; shifts the reading frame from glutamine 78.
Molecular consequence: frameshift variant. On other transcripts: non-coding transcript variant (1).
Genome position (GRCh38, 1-based): chr15:66,703,490-66,703,508, CAGGGCGCGGGGAGGCGCC deleted; deleting any 19 consecutive bases within chr15:66,703,482-66,703,508 gives the same sequence; the c. name uses the placement nearest the transcript's 3' end. VCF-style (leftmost placement, unchanged base first): chr15-66703481-CGAGGCGCCCAGGGCGCGGG-C. GRCh37 (hg19) VCF-style: chr15-66995819-CGAGGCGCCCAGGGCGCGGG-C.
Other names: c.232_250del (NM_005585.4); c.224_242del (NM_005585.5); short protein forms Q78fs.
Identifiers: ClinVar variation 1174564 (VCV001174564.12), dbSNP rs965061234, ClinGen allele CA271682769.